The following is an entry in ClinVar:

ClinVar aggregate classification (germline): Uncertain significance (1 of 4 stars; one submission).

Conditions:
Hereditary cancer-predisposing syndrome. Also called: Hereditary neoplastic syndrome; Neoplastic Syndromes, Hereditary; Tumor predisposition; Hereditary Cancer Syndrome. Identifiers: Orphanet 140162, MedGen C0027672, MeSH D009386, MONDO:0015356.

gnomAD v4.1: 2 of 1,611,844 alleles (0.00012%); highest among the groups gnomAD compares: African/African-American, 0.0027%; no homozygotes.

Submission:

Ambry Genetics
Classification: Uncertain significance for Hereditary cancer-predisposing syndrome. Last evaluated: 2025-09-09. Review status: criteria provided, single submitter. Criteria: Ambry Variant Classification Scheme 2023. Collection method: clinical testing. Allele origin: germline.
Comment: The p.V547F variant (also known as c.1639G>T), located in coding exon 10 of the PDGFRA gene, results from a G to T substitution at nucleotide position 1639. The valine at codon 547 is replaced by phenylalanine, an amino acid with highly similar properties. This amino acid position is not well conserved in available vertebrate species. In addition, the in silico prediction for this alteration is inconclusive. Based on the available evidence, the clinical significance of this variant remains unclear.

NM_006206.6(PDGFRA):c.1639G>T (p.Val547Phe)

Gene: PDGFRA (platelet derived growth factor receptor alpha; plus strand). Cytogenetic location: 4q12.
Variant type: single nucleotide variant.
Coding change: c.1639G>T on transcript NM_006206.6 (MANE Select); coding-DNA position 1639, G replaced by T.
Protein change: p.Val547Phe; replaces valine 547 with phenylalanine.
Molecular consequence: missense variant.
Genome position (GRCh38, 1-based): chr4:54,274,611, G>T. VCF-style: chr4-54274611-G-T. GRCh37 (hg19) VCF-style: chr4-55140778-G-T.
Other names: c.1639G>T, p.Val547Phe (NM_001347827.2, NM_001347829.2); c.1714G>T, p.Val572Phe (NM_001347828.2); c.1678G>T, p.Val560Phe (NM_001347830.2); short protein forms V547F, V572F, V560F.
Identifiers: ClinVar variation 4133977 (VCV004133977.1).